The following is an entry in ClinVar:

ClinVar aggregate classification (germline): Likely benign (1 of 4 stars; one submission).

Conditions:
Vitamin D-dependent rickets type II with alopecia (VDDR2A). Also called: HYPOCALCEMIC VITAMIN D-RESISTANT RICKETS; Vitamin D-dependent rickets, type 2A; PDDR IIA; PSEUDOVITAMIN D-DEFICIENCY, TYPE IIA; RICKETS, HEREDITARY VITAMIN D-RESISTANT; RICKETS-ALOPECIA SYNDROME. Identifiers: Orphanet 93160, MedGen C0342646, MONDO:0010186, OMIM 277440.

Allele frequency attached by ClinVar (database versions not stated): gnomAD 0.01414 and 0.01497; TOPMed 0.01620; 1000 Genomes Project 0.01717; 1000 Genomes Project 30x 0.01718.

Submission:

Illumina Laboratory Services, Illumina
Classification: Likely benign for Vitamin D-dependent rickets type II with alopecia. Last evaluated: 2018-01-12. Review status: criteria provided, single submitter. Criteria: ICSL Variant Classification Criteria 13 December 2019. Collection method: clinical testing. Allele origin: germline.
Comment: This variant was observed in the ICSL laboratory as part of a predisposition screen in an ostensibly healthy population. It had not been previously curated by ICSL or reported in the Human Gene Mutation Database (HGMD: prior to June 1st, 2018), and was therefore a candidate for classification through an automated scoring system. Utilizing variant allele frequency, disease prevalence and penetrance estimates, and inheritance mode, an automated score was calculated to assess if this variant is too frequent to cause the disease. Based on the score and internal cut-off values, a variant classified as likely benign is not then subjected to further curation. The score for this variant resulted in a classification of likely benign for this disease.

NM_000376.3(VDR):c.*2593A>G

Gene: VDR (vitamin D receptor; minus strand). Cytogenetic location: 12q13.11.
Variant type: single nucleotide variant.
Coding change: c.*2593A>G on transcript NM_000376.3 (MANE Select); 2593 bases downstream of the stop codon, A replaced by G.
Molecular consequence: 3 prime UTR variant.
Genome position (GRCh38, 1-based): chr12:47,842,153, T>C on the plus strand (A>G on the coding strand, the complement: VDR is on the minus strand). VCF-style: chr12-47842153-T-C. GRCh37 (hg19) VCF-style: chr12-48235936-T-C.
Other names: c.*2593A>G (NM_001017535.2, NM_001017536.2, NM_001374661.1 and 1 more transcripts); c.*2392A>G (NM_001364085.2).
Identifiers: ClinVar variation 308818 (VCV000308818.5), dbSNP rs11168263, ClinGen allele CA10637487.